The following is an entry in ClinVar:

ClinVar aggregate classification (germline): Uncertain significance (1 of 4 stars; one submission).

Submission:

Labcorp Genetics (formerly Invitae), Labcorp
Classification: Uncertain significance. Last evaluated: 2025-03-16. Review status: criteria provided, single submitter. Criteria: Invitae Variant Classification Sherloc (09022015). Collection method: clinical testing. Allele origin: germline.
Comment: This sequence change results in a frameshift in the HOXB13 gene (p.Val269Glyfs*53). While this is not anticipated to result in nonsense mediated decay, it is expected to disrupt the last 16 amino acid(s) of the HOXB13 protein and extend the protein by 36 additional amino acid residues. This variant is not present in population databases (gnomAD no frequency). This variant has not been reported in the literature in individuals affected with HOXB13-related conditions. Experimental studies and prediction algorithms are not available or were not evaluated, and the functional significance of this variant is currently unknown. In summary, the available evidence is currently insufficient to determine the role of this variant in disease. Therefore, it has been classified as a Variant of Uncertain Significance.

NM_006361.6(HOXB13):c.805dup (p.Val269fs)

Gene: HOXB13 (homeobox B13; minus strand). Cytogenetic location: 17q21.32.
Variant type: Duplication.
Coding change: c.805dup on transcript NM_006361.6 (MANE Select); coding-DNA position 805, one base duplicated (G; older notation c.805dupG).
Protein change: p.Val269fs; shifts the reading frame from valine 269.
Molecular consequence: frameshift variant.
Genome position (GRCh38, 1-based): chr17:48,726,840, C duplicated on the plus strand (G on the coding strand, the reverse complement: HOXB13 is on the minus strand); the first of 3 consecutive C bases (chr17:48,726,840-48,726,842); duplicating any one gives the same sequence. VCF-style (leftmost placement, unchanged base first): chr17-48726839-A-AC. GRCh37 (hg19) VCF-style: chr17-46804201-A-AC.
Other names: short protein forms V269fs.
Identifiers: ClinVar variation 4799064 (VCV004799064.1).